The following is an entry in ClinVar:

ClinVar aggregate classification (germline): Conflicting classifications of pathogenicity. Review status: criteria provided, conflicting classifications (1 of 4 stars). 11 submissions from 10 submitters: Uncertain significance (3); Benign (3); Likely benign (2). 3 of the submissions do not count toward it. Last evaluated 2026-02-02.

Conditions:
LTBP2-related disorder. Also called: LTBP2-related condition; LTBP2-related disorders.
Weill-Marchesani syndrome 3 (WMS3). Also called: Weill-Marchesani syndrome 3, recessive; LTBP2-Related Weill-Marchesani Syndrome. Identifiers: Orphanet 3449, MedGen C3553785, MONDO:0013899, OMIM 614819.
Glaucoma 3, primary congenital, D. Identifiers: Orphanet 98976, MedGen C2751316, MONDO:0013122, OMIM 613086.
Microspherophakia and/or megalocornea, with ectopia lentis and with or without secondary glaucoma (MSPKA). Identifiers: Orphanet 238763, MedGen C3538951, MONDO:0009633, OMIM 251750.
Weill-Marchesani syndrome. Also called: WM Syndrome; Mesodermal dysmorphodystrophy congenital. Identifiers: Orphanet 3449, MedGen C0265313, MONDO:0018096.
Exfoliation syndrome (XFS). Also called: PSEUDOEXFOLIATION OF THE LENS; PSEUDOEXFOLIATION SYNDROME. Identifiers: MedGen C0206368, MONDO:0008327, OMIM 177650.

Allele frequency attached by ClinVar (database versions not stated): gnomAD 0.00032; ESP Exome Variant Server 0.00054; TOPMed 0.00085; gnomAD exomes 0.00097; ExAC 0.00186; 1000 Genomes Project 30x 0.00187; 1000 Genomes Project 0.00220.
gnomAD v4.1: 1,588 of 1,613,268 alleles (0.098%); highest among the groups gnomAD compares: South Asian, 0.78%; 8 homozygotes.

Submissions (11):

Labcorp Genetics (formerly Invitae), Labcorp
Classification: Benign. Last evaluated: 2026-02-02. Review status: criteria provided, single submitter. Criteria: Invitae Variant Classification Sherloc (09022015). Collection method: clinical testing. Allele origin: germline.

Blueprint Genetics
Classification: Uncertain significance. Last evaluated: 2024-11-14. Review status: criteria provided, single submitter. Criteria: ACMG Guidelines, 2015. Collection method: clinical testing. Allele origin: germline.

CeGaT Center for Human Genetics Tuebingen
Classification: Likely benign. Last evaluated: 2024-07-01. Review status: criteria provided, single submitter. Criteria: CeGaT Center For Human Genetics Tuebingen Variant Classification Criteria Version 2. Collection method: clinical testing. Allele origin: germline. Affected: yes. Observed: 4 variant alleles.
Comment: LTBP2: BP4, BS2

GeneDx
Classification: Benign. Last evaluated: 2020-02-21. Review status: criteria provided, single submitter. Criteria: GeneDx Variant Classification Process June 2021. Collection method: clinical testing. Allele origin: germline. Affected: yes.
Comment: This variant is associated with the following publications: (PMID: 31589614, 27884173, 23401661)

Mendelics
Classification: Uncertain significance for Weill-Marchesani syndrome 3. Last evaluated: 2019-05-28. Review status: criteria provided, single submitter. Criteria: Mendelics Assertion Criteria 2017. Collection method: clinical testing. Allele origin: unknown.

Illumina Laboratory Services, Illumina
Classification: Uncertain significance for Glaucoma 3, primary congenital, D. Last evaluated: 2017-04-28. Review status: criteria provided, single submitter. Criteria: ICSL Variant Classification Criteria 13 December 2019. Collection method: clinical testing. Allele origin: germline.
Comment: This variant was observed as part of a predisposition screen in an ostensibly healthy population. A literature search was performed for the gene, cDNA change, and amino acid change (where applicable). Publications were found based on this search. However, the evidence from the literature, in combination with allele frequency data from public databases where available, was not sufficient to rule this variant in or out of causing disease. Therefore, this variant is classified as a variant of unknown significance.

Illumina Laboratory Services, Illumina
Classification: Benign for Weill-Marchesani syndrome. Last evaluated: 2017-04-28. Review status: criteria provided, single submitter. Criteria: ICSL Variant Classification Criteria 13 December 2019. Collection method: clinical testing. Allele origin: germline.
Comment: This variant was observed as part of a predisposition screen in an ostensibly healthy population. A literature search was performed for the gene, cDNA change, and amino acid change (where applicable). No publications were found based on this search. Allele frequency data from public databases was too high to be consistent with this variant causing disease. Therefore, this variant is classified as benign.

Center for Genomics, Ann and Robert H. Lurie Children's Hospital of Chicago
Classification: Likely benign for Glaucoma 3, primary congenital, D; Microspherophakia and/or megalocornea, with ectopia lentis and with or without secondary glaucoma; Weill-Marchesani syndrome 3. Review status: criteria provided, single submitter. Criteria: ACMG Guidelines, 2015. Collection method: clinical testing. Allele origin: germline.
Comment: This variant has been reported in the heterozygous state in one individual with primary open angle glaucoma and one with pseudoexfoliation syndrome (Jelodari-Mamaghani 2013 PMID:23401661). However, this variant is present in 0.8% (245/30610) of South Asian alleles in the Genome Aggregation Database, and in 1 homozygote in each of v2.1.1 and v3.1.2. Evolutionary conservation and computational predictive tools suggest that this variant may not impact the protein. In summary, data on this variant suggests that this variant does not cause disease, but requires further evidence. Therefore this variant is classified as likely benign.

PreventionGenetics, part of Exact Sciences
Classification: Likely benign for LTBP2-related condition. Last evaluated: 2024-06-19. Review status: no assertion criteria provided. Collection method: clinical testing. Allele origin: germline. Not counted in ClinVar's aggregate classification.
Comment: This variant is classified as likely benign based on ACMG/AMP sequence variant interpretation guidelines (Richards et al. 2015 PMID: 25741868, with internal and published modifications).

Reproductive Health Research and Development, BGI Genomics
Classification: Uncertain significance for Pseudoexfoliation glaucoma. Last evaluated: 2020-01-06. Review status: no assertion criteria provided. Collection method: curation. Allele origin: germline. Not counted in ClinVar's aggregate classification.
Comment: NM_000428.2:c.1295C>T in the LTBP2 gene has an allele frequency of 0.008 in South Asian subpopulation in the gnomAD database. The c.1295C>T (p.Pro432Leu) variant has been observed in a patient affected with pseudoexfoliation glaucoma (PEXG) syndrome (PMID: 23401661). We interpret it as variant of uncertain significance (VUS). ACMG/AMP criteria applied: PP4.

Elahi Laboratory, University of Tehran
Classification: Likely pathogenic for Pseudoexfoliation glaucoma. Review status: no assertion criteria provided. Collection method: not provided. Allele origin: unknown. Not counted in ClinVar's aggregate classification.
ClinVar note: Converted during submission from probable-pathogenic to Likely pathogenic.

Literature cited by the submitters: PubMed 23401661 (cited by Illumina Laboratory Services, Illumina).

NM_000428.3(LTBP2):c.1295C>T (p.Pro432Leu)

Gene: LTBP2 (latent transforming growth factor beta binding protein 2; minus strand). Cytogenetic location: 14q24.3.
Variant type: single nucleotide variant.
Coding change: c.1295C>T on transcript NM_000428.3 (MANE Select); coding-DNA position 1295, C replaced by T.
Protein change: p.Pro432Leu; replaces proline 432 with leucine.
Molecular consequence: missense variant.
Genome position (GRCh38, 1-based): chr14:74,552,291, G>A on the plus strand (C>T on the coding strand, the complement: LTBP2 is on the minus strand). VCF-style: chr14-74552291-G-A. GRCh37 (hg19) VCF-style: chr14-75018994-G-A.
Other names: short protein forms P432L.
Identifiers: ClinVar variation 126949 (VCV000126949.46), dbSNP rs137854861, ClinGen allele CA151335.